The following is an entry in ClinVar:

ClinVar aggregate classification (germline): Uncertain significance (1 of 4 stars; one submission).

Conditions:
Joubert syndrome 25 (JBTS25). Identifiers: Orphanet 475, MedGen C4084842, MONDO:0014770, OMIM 616781.

Allele frequency attached by ClinVar (database versions not stated): gnomAD 0.00002; TOPMed 0.00003; ExAC 0.00008; gnomAD exomes 0.00008.

Submission:

Labcorp Genetics (formerly Invitae), Labcorp
Classification: Uncertain significance for Joubert syndrome 25. Last evaluated: 2023-11-18. Review status: criteria provided, single submitter. Criteria: Invitae Variant Classification Sherloc (09022015). Collection method: clinical testing. Allele origin: germline.
Comment: This sequence change replaces valine, which is neutral and non-polar, with isoleucine, which is neutral and non-polar, at codon 482 of the CEP104 protein (p.Val482Ile). This variant is present in population databases (rs772261276, gnomAD 0.01%). This variant has not been reported in the literature in individuals affected with CEP104-related conditions. Algorithms developed to predict the effect of missense changes on protein structure and function output the following: SIFT: "Not Available"; PolyPhen-2: "Benign"; Align-GVGD: "Not Available". The isoleucine amino acid residue is found in multiple mammalian species, which suggests that this missense change does not adversely affect protein function. In summary, the available evidence is currently insufficient to determine the role of this variant in disease. Therefore, it has been classified as a Variant of Uncertain Significance.

NM_014704.4(CEP104):c.1444G>A (p.Val482Ile)

Gene: CEP104 (centrosomal protein 104; minus strand). Cytogenetic location: 1p36.32.
Variant type: single nucleotide variant.
Coding change: c.1444G>A on transcript NM_014704.4 (MANE Select); coding-DNA position 1444, G replaced by A.
Protein change: p.Val482Ile; replaces valine 482 with isoleucine.
Molecular consequence: missense variant.
Genome position (GRCh38, 1-based): chr1:3,834,966, C>T on the plus strand (G>A on the coding strand, the complement: CEP104 is on the minus strand). VCF-style: chr1-3834966-C-T. GRCh37 (hg19) VCF-style: chr1-3751530-C-T.
Other names: short protein forms V482I.
Identifiers: ClinVar variation 2724255 (VCV002724255.1), dbSNP rs772261276, ClinGen allele CA551603.